The following is an entry in ClinVar:

NM_024675.4(PALB2):c.1803G>C (p.Lys601Asn)

Gene: PALB2 (partner and localizer of BRCA2; minus strand). Cytogenetic location: 16p12.2.
Variant type: single nucleotide variant.
Coding change: c.1803G>C on transcript NM_024675.4 (MANE Select); coding-DNA position 1803, G replaced by C.
Protein change: p.Lys601Asn; replaces lysine 601 with asparagine.
Molecular consequence: missense variant.
Genome position (GRCh38, 1-based): chr16:23,630,351, C>G on the plus strand (G>C on the coding strand, the complement: PALB2 is on the minus strand). VCF-style: chr16-23630351-C-G. GRCh37 (hg19) VCF-style: chr16-23641672-C-G.
Other names: short protein forms K601N.
Identifiers: ClinVar variation 482044 (VCV000482044.21), dbSNP rs1555460643, ClinGen allele CA395128034.

ClinVar aggregate classification (germline): Uncertain significance. Review status: criteria provided, multiple submitters, no conflicts (2 of 4 stars). 3 submissions from 3 submitters: Uncertain significance (3). Last evaluated 2024-03-02.

Conditions:
Hereditary cancer-predisposing syndrome. Also called: Neoplastic Syndromes, Hereditary; Tumor predisposition; Hereditary Cancer Syndrome; Hereditary neoplastic syndrome. Identifiers: Orphanet 140162, MedGen C0027672, MeSH D009386, MONDO:0015356.
Familial cancer of breast. Also called: BREAST CANCER, FAMILIAL; Hereditary breast cancer; hereditary breast carcinoma. Identifiers: Orphanet 227535, MedGen C0346153, MONDO:0016419, OMIM 114480. Disease mechanism: loss of function.

Allele frequency attached by ClinVar (database versions not stated): gnomAD 0.00001.
gnomAD v4.1: 1 of 1,614,014 alleles (0.000062%); highest among the groups gnomAD compares: African/African-American, 0.0013%; no homozygotes.

Submissions (3):

Labcorp Genetics (formerly Invitae), Labcorp
Classification: Uncertain significance for Familial cancer of breast. Last evaluated: 2024-03-02. Review status: criteria provided, single submitter. Criteria: Invitae Variant Classification Sherloc (09022015). Collection method: clinical testing. Allele origin: germline.
Comment: This sequence change replaces lysine, which is basic and polar, with asparagine, which is neutral and polar, at codon 601 of the PALB2 protein (p.Lys601Asn). This variant is not present in population databases (gnomAD no frequency). This variant has not been reported in the literature in individuals affected with PALB2-related conditions. ClinVar contains an entry for this variant (Variation ID: 482044). Advanced modeling of protein sequence and biophysical properties (such as structural, functional, and spatial information, amino acid conservation, physicochemical variation, residue mobility, and thermodynamic stability) performed at Invitae indicates that this missense variant is expected to disrupt PALB2 protein function with a positive predictive value of 80%. In summary, the available evidence is currently insufficient to determine the role of this variant in disease. Therefore, it has been classified as a Variant of Uncertain Significance.

Color Diagnostics, LLC DBA Color Health
Classification: Uncertain significance for Hereditary cancer-predisposing syndrome. Last evaluated: 2023-12-04. Review status: criteria provided, single submitter. Criteria: ACMG Guidelines, 2015. Collection method: clinical testing. Allele origin: germline.
Comment: This missense variant replaces lysine with asparagine at codon 601 of the PALB2 protein. Computational prediction tools and conservation analyses are inconclusive regarding the impact of this variant on protein structure and function. Splice site prediction tools suggest that this variant may not impact RNA splicing. To our knowledge, functional studies have not been performed for this variant. This variant has not been reported in individuals affected with hereditary cancer in the literature. This variant has not been identified in the general population by the Genome Aggregation Database (gnomAD). The available evidence is insufficient to determine the role of this variant in disease conclusively. Therefore, this variant is classified as a Variant of Uncertain Significance.

Ambry Genetics
Classification: Uncertain significance for Hereditary cancer-predisposing syndrome. Last evaluated: 2020-08-06. Review status: criteria provided, single submitter. Criteria: Ambry Variant Classification Scheme 2023. Collection method: clinical testing. Allele origin: germline.
Comment: The p.K601N variant (also known as c.1803G>C), located in coding exon 5 of the PALB2 gene, results from a G to C substitution at nucleotide position 1803. The lysine at codon 601 is replaced by asparagine, an amino acid with similar properties. This amino acid position is well conserved in available vertebrate species. In addition, this alteration is predicted to be tolerated by in silico analysis. Since supporting evidence is limited at this time, the clinical significance of this alteration remains unclear.